The following is an entry in ClinVar:

NM_015021.3(ZNF292):c.7387A>G (p.Arg2463Gly)

Gene: ZNF292 (zinc finger protein 292; plus strand). Cytogenetic location: 6q14.3.
Variant type: single nucleotide variant.
Coding change: c.7387A>G on transcript NM_015021.3 (MANE Select); coding-DNA position 7387, A replaced by G.
Protein change: p.Arg2463Gly; replaces arginine 2463 with glycine.
Molecular consequence: missense variant.
Genome position (GRCh38, 1-based): chr6:87,261,016, A>G. VCF-style: chr6-87261016-A-G. GRCh37 (hg19) VCF-style: chr6-87970734-A-G.
Other names: c.6967A>G, p.Arg2323Gly (NM_001351444.2); short protein forms R2323G, R2463G.
Identifiers: ClinVar variation 3024963 (VCV003024963.23), dbSNP rs141403535, ClinGen allele CA3914790.

ClinVar aggregate classification (germline): Likely benign. Review status: criteria provided, multiple submitters, no conflicts (2 of 4 stars). 2 submissions from 2 submitters: Likely benign (2). Last evaluated 2025-09-01.

Allele frequency attached by ClinVar (database versions not stated): gnomAD exomes 0.00031; ExAC 0.00126; gnomAD 0.00368; TOPMed 0.00390; ESP Exome Variant Server 0.00393; 1000 Genomes Project 0.00559; 1000 Genomes Project 30x 0.00578.
gnomAD v4.1: 1,024 of 1,604,754 alleles (0.064%); highest among the groups gnomAD compares: African/African-American, 1.2%; 3 homozygotes.

Submissions (2):

CeGaT Center for Human Genetics Tuebingen
Classification: Likely benign. Last evaluated: 2025-09-01. Review status: criteria provided, single submitter. Criteria: CeGaT Center For Human Genetics Tuebingen Variant Classification Criteria Version 2. Collection method: clinical testing. Allele origin: germline. Affected: yes. Observed: 3 variant alleles.
Comment: ZNF292: BP4, BS1

Blueprint Genetics
Classification: Likely benign. Last evaluated: 2024-11-12. Review status: criteria provided, single submitter. Criteria: ACMG Guidelines, 2015. Collection method: clinical testing. Allele origin: germline.